The following is an entry in ClinVar:

ClinVar aggregate classification (germline): Likely pathogenic (1 of 4 stars; one submission).

Conditions:
Steel syndrome (STLS). Identifiers: Orphanet 438117, MedGen C3554594, MONDO:0014061, OMIM 615155.

Submission:

The Shared Resource Centre "Genome", Research Centre for Medical Genetics
Classification: Likely pathogenic for Steel syndrome. Last evaluated: 2025-12-18. Review status: criteria provided, single submitter. Criteria: ACMG Guidelines, 2015. Collection method: clinical testing. Allele origin: inherited. Inheritance: Autosomal recessive inheritance. Affected: yes. Observed: 1 homozygote.

NM_032888.4(COL27A1):c.3988G>C (p.Gly1330Arg)

Genes: COL27A1 (collagen type XXVII alpha 1 chain; plus strand), LOC126860736 (MED14-independent group 3 enhancer GRCh37_chr9:117050487-117051686; plus strand). Cytogenetic location: 9q32.
Variant type: single nucleotide variant.
Coding change: c.3988G>C on transcript NM_032888.4 (MANE Select); coding-DNA position 3988, G replaced by C.
Protein change: p.Gly1330Arg; replaces glycine 1330 with arginine.
Molecular consequence: missense variant.
Genome position (GRCh38, 1-based): chr9:114,288,455, G>C. VCF-style: chr9-114288455-G-C. GRCh37 (hg19) VCF-style: chr9-117050735-G-C.
Other names: short protein forms G1330R.
Identifiers: ClinVar variation 4685562 (VCV004685562.1).